The following is an entry in ClinVar:

NM_005477.3(HCN4):c.670C>T (p.Pro224Ser)

Gene: HCN4 (hyperpolarization activated cyclic nucleotide gated potassium channel 4; minus strand). Cytogenetic location: 15q24.1.
Variant type: single nucleotide variant.
Coding change: c.670C>T on transcript NM_005477.3 (MANE Select); coding-DNA position 670, C replaced by T.
Protein change: p.Pro224Ser; replaces proline 224 with serine.
Molecular consequence: missense variant.
Genome position (GRCh38, 1-based): chr15:73,367,601, G>A on the plus strand (C>T on the coding strand, the complement: HCN4 is on the minus strand). VCF-style: chr15-73367601-G-A. GRCh37 (hg19) VCF-style: chr15-73659942-G-A.
Other names: short protein forms P224S.
Identifiers: ClinVar variation 4709584 (VCV004709584.1).

ClinVar aggregate classification (germline): Uncertain significance (1 of 4 stars; one submission).

Conditions:
Brugada syndrome 8 (BRGDA8). Identifiers: Orphanet 130, MedGen C2751083, MONDO:0013148, OMIM 613123.

Submission:

Labcorp Genetics (formerly Invitae), Labcorp
Classification: Uncertain significance for Brugada syndrome 8. Last evaluated: 2025-12-22. Review status: criteria provided, single submitter. Criteria: Invitae Variant Classification Sherloc (09022015). Collection method: clinical testing. Allele origin: germline.
Comment: This sequence change replaces proline, which is neutral and non-polar, with serine, which is neutral and polar, at codon 224 of the HCN4 protein (p.Pro224Ser). This variant is not present in population databases (gnomAD no frequency). This variant has not been reported in the literature in individuals affected with HCN4-related conditions. Invitae Evidence Modeling of protein sequence and biophysical properties (such as structural, functional, and spatial information, amino acid conservation, physicochemical variation, residue mobility, and thermodynamic stability) indicates that this missense variant is expected to disrupt HCN4 protein function with a positive predictive value of 95%. In summary, the available evidence is currently insufficient to determine the role of this variant in disease. Therefore, it has been classified as a Variant of Uncertain Significance.